The following is an entry in ClinVar:

ClinVar aggregate classification (germline): Uncertain significance. Review status: criteria provided, multiple submitters, no conflicts (2 of 4 stars). 2 submissions from 2 submitters: Uncertain significance (2). Last evaluated 2026-03-18.

Conditions:
Neurodevelopmental disorder. Identifiers: MedGen C1535926, MeSH D065886, MONDO:0700092.

Allele frequency attached by ClinVar (database versions not stated): gnomAD exomes below 0.00001.
gnomAD v4.1: 1 of 1,614,118 alleles (0.000062%); highest among the groups gnomAD compares: Non-Finnish European, 0.000085%; no homozygotes.

Submissions (2):

GeneDx
Classification: Uncertain significance. Last evaluated: 2026-03-18. Review status: criteria provided, single submitter. Criteria: GeneDx Variant Classification Process June 2021. Collection method: clinical testing. Allele origin: germline.
Comment: Not observed at significant frequency in large population cohorts (gnomAD); In silico analysis supports that this missense variant has a deleterious effect on protein structure/function; Has not been previously published as pathogenic or benign to our knowledge

Laboratory of Molecular Genetics (Pr. Bezieau's lab), CHU de Nantes
Classification: Uncertain significance for Neurodevelopmental disorder. Last evaluated: 2021-05-04. Review status: criteria provided, single submitter. Criteria: ACMG Guidelines, 2015. Collection method: clinical testing. Allele origin: germline. Affected: yes.

NM_001005273.3(CHD3):c.1867C>T (p.Arg623Cys)

Gene: CHD3 (chromodomain helicase DNA binding protein 3; plus strand). Cytogenetic location: 17p13.1.
Variant type: single nucleotide variant.
Coding change: c.1867C>T on transcript NM_001005273.3 (MANE Select); coding-DNA position 1867, C replaced by T.
Protein change: p.Arg623Cys; replaces arginine 623 with cysteine.
Molecular consequence: missense variant.
Genome position (GRCh38, 1-based): chr17:7,897,242, C>T. VCF-style: chr17-7897242-C-T. GRCh37 (hg19) VCF-style: chr17-7800560-C-T.
Other names: c.2044C>T (NM_001005271.2); c.2044C>T, p.Arg682Cys (NM_001005271.3); c.1867C>T, p.Arg623Cys (NM_005852.4); short protein forms R623C, R682C.
Identifiers: ClinVar variation 1321933 (VCV001321933.2), dbSNP rs923486409, ClinGen allele CA397935298.
Genomic context (GRCh38, chr17:7,897,242, plus strand): 5'-AAGAGCGACAAGCGTAAAGTGAAAGACCCGCACTATGCTGAGATGGAGGAGAAGTACTAT[C>T]GTTTTGGCATCAAGCCAGAGTGGATGACCGTCCACCGCATCATCAACCACAGGTGAATCC-3'
Protein context (NP_001005273.1, residues 613-633): HYAEMEEKYY[Arg623Cys]FGIKPEWMTV